The following is an entry in ClinVar:

NM_003289.4(TPM2):c.357G>A (p.Ala119=)

Gene: TPM2 (tropomyosin 2; minus strand). Cytogenetic location: 9p13.3.
Variant type: single nucleotide variant.
Coding change: c.357G>A on transcript NM_003289.4 (MANE Select); coding-DNA position 357, G replaced by A.
Protein change: p.Ala119=; no amino-acid change (alanine 119 retained).
Molecular consequence: synonymous variant.
Genome position (GRCh38, 1-based): chr9:35,685,664, C>T on the plus strand (G>A on the coding strand, the complement: TPM2 is on the minus strand). VCF-style: chr9-35685664-C-T. GRCh37 (hg19) VCF-style: chr9-35685661-C-T.
Other names: c.357G>A, p.Ala119= (NM_001301226.2, NM_001301227.2, NM_213674.1).
Identifiers: ClinVar variation 528395 (VCV000528395.11), dbSNP rs376028030, ClinGen allele CA5047392.
Genomic context (GRCh38, chr9:35,685,664, plus strand): 5'-CCCTTCTCCCTCCCGGACCATCCTCCCCGAGGCCCCTGACCACCTCTCGCTCTCATCAGC[C>T]GCCTTCTCGGCCTCCTCCAGCTTCTGCAGGGCTGTAGCCAGGCGCTCCTGGGCCCGGTCC-3'
Protein context (NP_003280.2, residues 109-129): ALQKLEEAEK[Ala119=]ADESERGMKV

ClinVar aggregate classification (germline): Likely benign. Review status: criteria provided, single submitter (1 of 4 stars). 2 submissions from 2 submitters: Likely benign (1). 1 of the submissions does not count toward it. Last evaluated 2025-09-16.

Conditions:
TPM2-related disorder. Also called: TPM2-related condition; TPM2-related disorders.
Arthrogryposis, distal, type 1A. Also called: ARTHROGRYPOSIS MULTIPLEX CONGENITA, DISTAL, TYPE I. Identifiers: Orphanet 1146, MedGen C6022280, MONDO:0007157, OMIM 108120.

Allele frequency attached by ClinVar (database versions not stated): TOPMed 0.00005; gnomAD 0.00006 and 0.00007; ESP Exome Variant Server 0.00008; 1000 Genomes Project 0.00020; 1000 Genomes Project 30x 0.00031.
gnomAD v4.1: 68 of 1,614,094 alleles (0.0042%); highest among the groups gnomAD compares: East Asian, 0.013%; no homozygotes.

Submissions (2):

Labcorp Genetics (formerly Invitae), Labcorp
Classification: Likely benign for Digitotalar dysmorphism. Last evaluated: 2025-09-16. Review status: criteria provided, single submitter. Criteria: Invitae Variant Classification Sherloc (09022015). Collection method: clinical testing. Allele origin: germline.

PreventionGenetics, part of Exact Sciences
Classification: Likely benign for TPM2-related condition. Last evaluated: 2022-11-17. Review status: no assertion criteria provided. Collection method: clinical testing. Allele origin: germline. Not counted in ClinVar's aggregate classification.
Comment: This variant is classified as likely benign based on ACMG/AMP sequence variant interpretation guidelines (Richards et al. 2015 PMID: 25741868, with internal and published modifications).